The following is an entry in ClinVar:

NM_012431.3(SEMA3E):c.395C>T (p.Thr132Ile)

Gene: SEMA3E (semaphorin 3E; minus strand). Cytogenetic location: 7q21.11.
Variant type: single nucleotide variant.
Coding change: c.395C>T on transcript NM_012431.3 (MANE Select); coding-DNA position 395, C replaced by T.
Protein change: p.Thr132Ile; replaces threonine 132 with isoleucine.
Molecular consequence: missense variant.
Genome position (GRCh38, 1-based): chr7:83,466,543, G>A on the plus strand (C>T on the coding strand, the complement: SEMA3E is on the minus strand). VCF-style: chr7-83466543-G-A. GRCh37 (hg19) VCF-style: chr7-83095859-G-A.
Other names: c.215C>T, p.Thr72Ile (NM_001178129.2); short protein forms T72I, T132I.
Identifiers: ClinVar variation 4984388 (VCV004984388.1).

ClinVar aggregate classification (germline): Uncertain significance (1 of 4 stars; one submission).

Conditions:
SEMA3E-related disorder. Also called: SEMA3E-related condition.

Submission:

PreventionGenetics, part of Exact Sciences
Classification: Uncertain significance for SEMA3E-related condition. Last evaluated: 2026-07-20. Review status: criteria provided, single submitter. Criteria: ACMG Guidelines, 2015. Collection method: clinical testing. Allele origin: germline.
Comment: The SEMA3E c.395C>T variant is predicted to result in the amino acid substitution p.Thr132Ile. To our knowledge, this variant has not been reported in the literature. This variant is reported in 0.0029% of alleles in individuals of Latino descent in gnomAD. At this time, the clinical significance of this variant is uncertain due to the absence of conclusive functional and genetic evidence.